The following is an entry in ClinVar:

ClinVar aggregate classification (germline): Benign/Likely benign. Review status: criteria provided, multiple submitters, no conflicts (2 of 4 stars). 8 submissions from 8 submitters: Benign (5); Likely benign (2). 1 of the submissions does not count toward it. Last evaluated 2025-10-01.

Conditions:
Cerebral arteriopathy, autosomal dominant, with subcortical infarcts and leukoencephalopathy, type 1 (CADASIL1). Also called: CADASIL 1; Cerebral arteriopathy with subcortical infarcts and leukoencephalopathy 1; CASIL; DEMENTIA, HEREDITARY MULTIINFARCT TYPE. Identifiers: Orphanet 136, MedGen C4551768, MONDO:0000914, OMIM 125310.
NOTCH3-related disorder. Also called: NOTCH3-related disorders; NOTCH3-related condition.

Allele frequency attached by ClinVar (database versions not stated): ESP Exome Variant Server 0.00023; gnomAD 0.00035 and 0.00040; TOPMed 0.00044; 1000 Genomes Project 30x 0.00047; gnomAD exomes 0.00051; 1000 Genomes Project 0.00060; ExAC 0.00101.
gnomAD v4.1: 467 of 1,559,234 alleles (0.03%); highest among the groups gnomAD compares: East Asian, 0.44%; no homozygotes.

Submissions (8):

CeGaT Center for Human Genetics Tuebingen
Classification: Likely benign. Last evaluated: 2025-10-01. Review status: criteria provided, single submitter. Criteria: CeGaT Center For Human Genetics Tuebingen Variant Classification Criteria Version 2. Collection method: clinical testing. Allele origin: germline. Affected: yes. Observed: 4 variant alleles.
Comment: NOTCH3: BP4, BP7

Labcorp Genetics (formerly Invitae), Labcorp
Classification: Benign. Last evaluated: 2025-09-04. Review status: criteria provided, single submitter. Criteria: Invitae Variant Classification Sherloc (09022015). Collection method: clinical testing. Allele origin: germline.

Blueprint Genetics
Classification: Likely benign. Last evaluated: 2024-10-30. Review status: criteria provided, single submitter. Criteria: ACMG Guidelines, 2015. Collection method: clinical testing. Allele origin: germline.

Mayo Clinic Laboratories, Mayo Clinic
Classification: Benign. Last evaluated: 2024-08-22. Review status: criteria provided, single submitter. Criteria: ACMG Guidelines, 2015. Collection method: clinical testing. Allele origin: germline. Observed: 2 variant alleles.
Comment: BS1, BS2, BP1, BP4, BP7

Athena Diagnostics
Classification: Benign. Last evaluated: 2019-06-03. Review status: criteria provided, single submitter. Criteria: Athena Diagnostics Criteria. Collection method: clinical testing. Allele origin: germline.

Illumina Laboratory Services, Illumina
Classification: Benign for Cerebral arteriopathy, autosomal dominant, with subcortical infarcts and leukoencephalopathy, type 1. Last evaluated: 2018-01-12. Review status: criteria provided, single submitter. Criteria: ICSL Variant Classification Criteria 13 December 2019. Collection method: clinical testing. Allele origin: germline.
Comment: This variant was observed in the ICSL laboratory as part of a predisposition screen in an ostensibly healthy population. It had not been previously curated by ICSL or reported in the Human Gene Mutation Database (HGMD: prior to June 1st, 2018), and was therefore a candidate for classification through an automated scoring system. Utilizing variant allele frequency, disease prevalence and penetrance estimates, and inheritance mode, an automated score was calculated to assess if this variant is too frequent to cause the disease. Based on the score and internal cut-off values, a variant classified as benign is not then subjected to further curation. The score for this variant resulted in a classification of benign for this disease.

Breakthrough Genomics
Classification: Benign. Review status: criteria provided, single submitter. Criteria: ACMG Guidelines, 2015. Collection method: not provided. Allele origin: germline. Inheritance: Autosomal dominant inheritance. Affected: yes.

PreventionGenetics, part of Exact Sciences
Classification: Likely benign for NOTCH3-related condition. Last evaluated: 2019-03-20. Review status: no assertion criteria provided. Collection method: clinical testing. Allele origin: germline. Not counted in ClinVar's aggregate classification.
Comment: This variant is classified as likely benign based on ACMG/AMP sequence variant interpretation guidelines (Richards et al. 2015 PMID: 25741868, with internal and published modifications).

Literature cited by the submitters: PubMed 34551193 (cited by Mayo Clinic Laboratories, Mayo Clinic).

NM_000435.3(NOTCH3):c.2580C>T (p.Asn860=)

Gene: NOTCH3 (notch receptor 3; minus strand). Cytogenetic location: 19p13.12.
Variant type: single nucleotide variant.
Coding change: c.2580C>T on transcript NM_000435.3 (MANE Select); coding-DNA position 2580, C replaced by T.
Protein change: p.Asn860=; no amino-acid change (asparagine 860 retained).
Molecular consequence: synonymous variant.
Genome position (GRCh38, 1-based): chr19:15,181,788, G>A on the plus strand (C>T on the coding strand, the complement: NOTCH3 is on the minus strand). VCF-style: chr19-15181788-G-A. GRCh37 (hg19) VCF-style: chr19-15292599-G-A.
Other names: p.Asn860=.
Identifiers: ClinVar variation 328405 (VCV000328405.42), dbSNP rs201436750, ClinGen allele CA9263321.